The following is an entry in ClinVar:

NM_006206.6(PDGFRA):c.2069G>A (p.Arg690Lys)

Gene: PDGFRA (platelet derived growth factor receptor alpha; plus strand). Cytogenetic location: 4q12.
Variant type: single nucleotide variant.
Coding change: c.2069G>A on transcript NM_006206.6 (MANE Select); coding-DNA position 2069, G replaced by A.
Protein change: p.Arg690Lys; replaces arginine 690 with lysine.
Molecular consequence: missense variant.
Genome position (GRCh38, 1-based): chr4:54,278,428, G>A. VCF-style: chr4-54278428-G-A. GRCh37 (hg19) VCF-style: chr4-55144595-G-A.
Other names: c.2069G>A, p.Arg690Lys (NM_001347827.2, NM_001347829.2); c.2144G>A, p.Arg715Lys (NM_001347828.2); c.2108G>A, p.Arg703Lys (NM_001347830.2); short protein forms R703K, R715K, R690K.
Identifiers: ClinVar variation 3683034 (VCV003683034.3).

ClinVar aggregate classification (germline): Uncertain significance. Review status: criteria provided, multiple submitters, no conflicts (2 of 4 stars). 2 submissions from 2 submitters: Uncertain significance (2). Last evaluated 2025-02-22.

Conditions:
Hereditary cancer-predisposing syndrome. Also called: Neoplastic Syndromes, Hereditary; Tumor predisposition; Hereditary Cancer Syndrome; Hereditary neoplastic syndrome. Identifiers: Orphanet 140162, MedGen C0027672, MeSH D009386, MONDO:0015356.
Gastrointestinal stromal tumor. Also called: Gastrointestinal stromal tumor, somatic; Gastrointestinal stroma tumor. Identifiers: Orphanet 44890, MedGen C0238198, MeSH D046152, MONDO:0011719, OMIM 606764, HP:0100723.

gnomAD v4.1: 2 of 1,613,674 alleles (0.00012%); highest among the groups gnomAD compares: Non-Finnish European, 0.00017%; no homozygotes.

Submissions (2):

Ambry Genetics
Classification: Uncertain significance for Hereditary cancer-predisposing syndrome. Last evaluated: 2025-02-22. Review status: criteria provided, single submitter. Criteria: Ambry Variant Classification Scheme 2023. Collection method: clinical testing. Allele origin: germline.
Comment: The p.R690K variant (also known as c.2069G>A), located in coding exon 14 of the PDGFRA gene, results from a G to A substitution at nucleotide position 2069. The arginine at codon 690 is replaced by lysine, an amino acid with highly similar properties. This amino acid position is conserved. In addition, the in silico prediction for this alteration is inconclusive. Based on the available evidence, the clinical significance of this variant remains unclear.

Labcorp Genetics (formerly Invitae), Labcorp
Classification: Uncertain significance for Gastrointestinal stromal tumor. Last evaluated: 2025-01-01. Review status: criteria provided, single submitter. Criteria: Invitae Variant Classification Sherloc (09022015). Collection method: clinical testing. Allele origin: germline.
Comment: This sequence change replaces arginine, which is basic and polar, with lysine, which is basic and polar, at codon 690 of the PDGFRA protein (p.Arg690Lys). This variant is not present in population databases (gnomAD no frequency). This variant has not been reported in the literature in individuals affected with PDGFRA-related conditions. An algorithm developed to predict the effect of missense changes on protein structure and function (PolyPhen-2) suggests that this variant is likely to be tolerated. In summary, the available evidence is currently insufficient to determine the role of this variant in disease. Therefore, it has been classified as a Variant of Uncertain Significance.